The following is an entry in ClinVar:

ClinVar aggregate classification (germline): Uncertain significance (1 of 4 stars; one submission).

Submission:

Labcorp Genetics (formerly Invitae), Labcorp
Classification: Uncertain significance. Last evaluated: 2022-10-05. Review status: criteria provided, single submitter. Criteria: Invitae Variant Classification Sherloc (09022015). Collection method: clinical testing. Allele origin: germline.
Comment: In summary, the available evidence is currently insufficient to determine the role of this variant in disease. Therefore, it has been classified as a Variant of Uncertain Significance. Algorithms developed to predict the effect of missense changes on protein structure and function are either unavailable or do not agree on the potential impact of this missense change (SIFT: "Deleterious"; PolyPhen-2: "Benign"; Align-GVGD: "Class C0"). This variant has not been reported in the literature in individuals affected with RINT1-related conditions. This variant is not present in population databases (gnomAD no frequency). This sequence change replaces arginine, which is basic and polar, with glycine, which is neutral and non-polar, at codon 601 of the RINT1 protein (p.Arg601Gly).

NM_021930.6(RINT1):c.1801C>G (p.Arg601Gly)

Gene: RINT1 (RAD50 interactor 1; plus strand). Cytogenetic location: 7q22.3.
Variant type: single nucleotide variant.
Coding change: c.1801C>G on transcript NM_021930.6 (MANE Select); coding-DNA position 1801, C replaced by G.
Protein change: p.Arg601Gly; replaces arginine 601 with glycine.
Molecular consequence: missense variant. On other transcripts: non-coding transcript variant (1).
Genome position (GRCh38, 1-based): chr7:105,563,862, C>G. VCF-style: chr7-105563862-C-G. GRCh37 (hg19) VCF-style: chr7-105204309-C-G.
Other names: c.877C>G, p.Arg293Gly (NM_001346601.2); c.778C>G, p.Arg260Gly (NM_001346603.2, NM_001346600.2); c.1567C>G, p.Arg523Gly (NM_001346599.2); short protein forms R260G, R293G, R523G, R601G.
Identifiers: ClinVar variation 1721018 (VCV001721018.5), dbSNP rs780570787, ClinGen allele CA368813977.